The following is an entry in ClinVar:

ClinVar aggregate classification (germline): Pathogenic (1 of 4 stars; one submission).

Conditions:
Mucopolysaccharidosis type 1. Also called: Mucopolysaccharidosis Type I; IDUA deficiency; MPS I. Identifiers: Orphanet 579, MedGen C0023786, MONDO:0001586.

Submission:

Labcorp Genetics (formerly Invitae), Labcorp
Classification: Pathogenic for Mucopolysaccharidosis type 1. Last evaluated: 2020-07-19. Review status: criteria provided, single submitter. Criteria: Invitae Variant Classification Sherloc (09022015). Collection method: clinical testing. Allele origin: germline.
Comment: For these reasons, this variant has been classified as Pathogenic. Loss-of-function variants in IDUA are known to be pathogenic (PMID: 11735025, 21480867). This variant has been observed in individual(s) with mucopolysaccharidosis type I (PMID: 12559846). This variant is not present in population databases (ExAC no frequency). This sequence change creates a premature translational stop signal (p.Gln561*) in the IDUA gene. It is expected to result in an absent or disrupted protein product.

Literature cited by the submitters: PubMed 11735025; PubMed 21480867; PubMed 12559846.

NM_000203.5(IDUA):c.1681C>T (p.Gln561Ter)

Gene: IDUA (alpha-L-iduronidase; plus strand). Cytogenetic location: 4p16.3.
Variant type: single nucleotide variant.
Coding change: c.1681C>T on transcript NM_000203.5 (MANE Select); coding-DNA position 1681, C replaced by T.
Protein change: p.Gln561Ter; replaces glutamine 561 with a stop codon.
Molecular consequence: nonsense. On other transcripts: non-coding transcript variant (1).
Genome position (GRCh38, 1-based): chr4:1,003,579, C>T. VCF-style: chr4-1003579-C-T. GRCh37 (hg19) VCF-style: chr4-997367-C-T.
Other names: c.1285C>T, p.Gln429Ter (NM_001363576.1); short protein forms Q429*, Q561*.
Identifiers: ClinVar variation 1032924 (VCV001032924.10), dbSNP rs752800292, ClinGen allele CA91171127.
Genomic context (GRCh38, chr4:1,003,579, plus strand): 5'-CGACGCCATCACAGCCCTTCCCTCCCCCAGGTCACGCGGCTCCGCGCCCTGCCCCTGACC[C>T]AAGGGCAGCTGGTTCTGGTCTGGTCGGATGAACACGTGGGCTCCAAGTGCGTGAGTGGGG-3'